The following is an entry in ClinVar:

ClinVar aggregate classification (germline): Uncertain significance (1 of 4 stars; one submission).

Allele frequency attached by ClinVar (database versions not stated): gnomAD exomes below 0.00001.

Submission:

Labcorp Genetics (formerly Invitae), Labcorp
Classification: Uncertain significance. Last evaluated: 2022-09-01. Review status: criteria provided, single submitter. Criteria: Invitae Variant Classification Sherloc (09022015). Collection method: clinical testing. Allele origin: germline.
Comment: This sequence change replaces methionine, which is neutral and non-polar, with threonine, which is neutral and polar, at codon 147 of the TUBB1 protein (p.Met147Thr). This variant is not present in population databases (gnomAD no frequency). This variant has not been reported in the literature in individuals affected with TUBB1-related conditions. Algorithms developed to predict the effect of missense changes on protein structure and function are either unavailable or do not agree on the potential impact of this missense change (SIFT: "Not Available"; PolyPhen-2: "Benign"; Align-GVGD: "Not Available"). In summary, the available evidence is currently insufficient to determine the role of this variant in disease. Therefore, it has been classified as a Variant of Uncertain Significance.

NM_030773.4(TUBB1):c.440T>C (p.Met147Thr)

Gene: TUBB1 (tubulin beta 1 class VI; plus strand). Cytogenetic location: 20q13.32.
Variant type: single nucleotide variant.
Coding change: c.440T>C on transcript NM_030773.4 (MANE Select); coding-DNA position 440, T replaced by C.
Protein change: p.Met147Thr; replaces methionine 147 with threonine.
Molecular consequence: missense variant.
Genome position (GRCh38, 1-based): chr20:59,023,867, T>C. VCF-style: chr20-59023867-T-C. GRCh37 (hg19) VCF-style: chr20-57598922-T-C.
Other names: short protein forms M147T.
Identifiers: ClinVar variation 2028473 (VCV002028473.4), dbSNP rs2515916870, ClinGen allele CA409466927.
Genomic context (GRCh38, chr20:59,023,867, plus strand): 5'-GTGACTGCCTGCAGGGCTTCCAGATCGTCCACTCCCTGGGCGGGGGCACAGGCTCCGGGA[T>C]GGGCACTCTGCTCATGAACAAGATTAGAGAGGAGTACCCGGACCGGATCATGAATTCCTT-3'
Protein context (NP_110400.1, residues 137-157): HSLGGGTGSG[Met147Thr]GTLLMNKIRE